The following is an entry in ClinVar:

NM_001843.4(CNTN1):c.821G>A (p.Arg274Gln)

Gene: CNTN1 (contactin 1; plus strand). Cytogenetic location: 12q12.
Variant type: single nucleotide variant.
Coding change: c.821G>A on transcript NM_001843.4 (MANE Select); coding-DNA position 821, G replaced by A.
Protein change: p.Arg274Gln; replaces arginine 274 with glutamine.
Molecular consequence: missense variant.
Genome position (GRCh38, 1-based): chr12:40,933,714, G>A. VCF-style: chr12-40933714-G-A. GRCh37 (hg19) VCF-style: chr12-41327516-G-A.
Other names: c.821G>A, p.Arg274Gln (NM_001256063.2, NM_001256064.2); c.788G>A, p.Arg263Gln (NM_175038.2); short protein forms R274Q, R263Q.
Identifiers: ClinVar variation 434795 (VCV000434795.19), dbSNP rs374200408, ClinGen allele CA6516723.

ClinVar aggregate classification (germline): Uncertain significance. Review status: criteria provided, multiple submitters, no conflicts (2 of 4 stars). 4 submissions from 4 submitters: Uncertain significance (4). Last evaluated 2025-05-04.

Conditions:
Inborn genetic diseases. Identifiers: MedGen C0950123, MeSH D030342.
Compton-North congenital myopathy (CMYO12). Identifiers: Orphanet 210163, MedGen C2675527, MONDO:0012929, OMIM 612540.

Allele frequency attached by ClinVar (database versions not stated): ExAC 0.00002; gnomAD exomes 0.00007 and 0.00009; TOPMed 0.00009; gnomAD 0.00013 and 0.00014; ESP Exome Variant Server 0.00015.
gnomAD v4.1: 145 of 1,612,582 alleles (0.009%); highest among the groups gnomAD compares: Non-Finnish European, 0.011%; no homozygotes.

Submissions (4):

Ambry Genetics
Classification: Uncertain significance for Inborn genetic diseases. Last evaluated: 2025-05-04. Review status: criteria provided, single submitter. Criteria: Ambry Variant Classification Scheme 2023. Collection method: clinical testing. Allele origin: germline.

Labcorp Genetics (formerly Invitae), Labcorp
Classification: Uncertain significance for Compton-North congenital myopathy. Last evaluated: 2022-06-15. Review status: criteria provided, single submitter. Criteria: Invitae Variant Classification Sherloc (09022015). Collection method: clinical testing. Allele origin: germline.
Comment: This sequence change replaces arginine, which is basic and polar, with glutamine, which is neutral and polar, at codon 274 of the CNTN1 protein (p.Arg274Gln). This variant is present in population databases (rs374200408, gnomAD 0.01%). This variant has not been reported in the literature in individuals affected with CNTN1-related conditions. ClinVar contains an entry for this variant (Variation ID: 434795). Advanced modeling of protein sequence and biophysical properties (such as structural, functional, and spatial information, amino acid conservation, physicochemical variation, residue mobility, and thermodynamic stability) performed at Invitae indicates that this missense variant is not expected to disrupt CNTN1 protein function. In summary, the available evidence is currently insufficient to determine the role of this variant in disease. Therefore, it has been classified as a Variant of Uncertain Significance.

Mayo Clinic Laboratories, Mayo Clinic
Classification: Uncertain significance. Last evaluated: 2019-12-26. Review status: criteria provided, single submitter. Criteria: ACMG Guidelines, 2015. Collection method: clinical testing. Allele origin: germline. Observed: 1 variant allele.

Genetic Services Laboratory, University of Chicago
Classification: Uncertain significance. Last evaluated: 2016-07-21. Review status: criteria provided, single submitter. Criteria: ACMG Guidelines, 2015. Collection method: clinical testing. Allele origin: germline. Affected: no.